The following is an entry in ClinVar:

NM_183357.3(ADCY5):c.2707A>G (p.Asn903Asp)

Gene: ADCY5 (adenylate cyclase 5; minus strand). Cytogenetic location: 3q21.1.
Variant type: single nucleotide variant.
Coding change: c.2707A>G on transcript NM_183357.3 (MANE Select); coding-DNA position 2707, A replaced by G.
Protein change: p.Asn903Asp; replaces asparagine 903 with aspartic acid.
Molecular consequence: missense variant.
Genome position (GRCh38, 1-based): chr3:123,303,072, T>C on the plus strand (A>G on the coding strand, the complement: ADCY5 is on the minus strand). VCF-style: chr3-123303072-T-C. GRCh37 (hg19) VCF-style: chr3-123021919-T-C.
Other names: c.1657A>G, p.Asn553Asp (NM_001199642.1); c.2707A>G, p.Asn903Asp (NM_001378259.1); short protein forms N553D, N903D.
Identifiers: ClinVar variation 1303516 (VCV001303516.7), dbSNP rs978358462, ClinGen allele CA82912690.

ClinVar aggregate classification (germline): Uncertain significance. Review status: criteria provided, multiple submitters, no conflicts (2 of 4 stars). 3 submissions from 3 submitters: Uncertain significance (3). Last evaluated 2022-04-11.

Conditions:
Dyskinesia with orofacial involvement, autosomal dominant (DSKOD). Also called: Familial Dyskinesia with Facial Myokymia (FDFM); Familial dyskinesia and facial myokymia; Dyskinesia, familial, with facial myokymia. Identifiers: Orphanet 324588, MedGen C1847627, MONDO:0800028, OMIM 606703.

Allele frequency attached by ClinVar (database versions not stated): gnomAD exomes below 0.00001 and 0.00001; TOPMed below 0.00001.
gnomAD v4.1: 7 of 1,613,638 alleles (0.00043%); highest among the groups gnomAD compares: Non-Finnish European, 0.00059%; no homozygotes.

Submissions (3):

Labcorp Genetics (formerly Invitae), Labcorp
Classification: Uncertain significance. Last evaluated: 2022-04-11. Review status: criteria provided, single submitter. Criteria: Invitae Variant Classification Sherloc (09022015). Collection method: clinical testing. Allele origin: germline.
Comment: In summary, the available evidence is currently insufficient to determine the role of this variant in disease. Therefore, it has been classified as a Variant of Uncertain Significance. Advanced modeling of protein sequence and biophysical properties (such as structural, functional, and spatial information, amino acid conservation, physicochemical variation, residue mobility, and thermodynamic stability) performed at Invitae indicates that this missense variant is not expected to disrupt ADCY5 protein function. ClinVar contains an entry for this variant (Variation ID: 1303516). This variant has not been reported in the literature in individuals affected with ADCY5-related conditions. This variant is present in population databases (no rsID available, gnomAD 0.0009%). This sequence change replaces asparagine, which is neutral and polar, with aspartic acid, which is acidic and polar, at codon 903 of the ADCY5 protein (p.Asn903Asp).

Department of Pathology and Laboratory Medicine, Sinai Health System
Classification: Uncertain significance for dyskinesia with orofacial involvement, autosomal dominant. Last evaluated: 2021-07-30. Review status: criteria provided, single submitter. Criteria: ACMG Guidelines, 2015. Collection method: research. Allele origin: germline.

GeneDx
Classification: Uncertain significance. Last evaluated: 2019-10-08. Review status: criteria provided, single submitter. Criteria: GeneDx Variant Classification Process June 2021. Collection method: clinical testing. Allele origin: germline. Affected: yes.
Comment: Not observed at a significant frequency in large population cohorts (Lek et al., 2016); In silico analysis, which includes protein predictors and evolutionary conservation, supports that this variant does not alter protein structure/function; Has not been previously published as pathogenic or benign to our knowledge